The following is an entry in ClinVar:

NM_000051.4(ATM):c.5173G>T (p.Asp1725Tyr)

Gene: ATM (ATM serine/threonine kinase; plus strand). Cytogenetic location: 11q22.3.
Variant type: single nucleotide variant.
Coding change: c.5173G>T on transcript NM_000051.4 (MANE Select); coding-DNA position 5173, G replaced by T.
Protein change: p.Asp1725Tyr; replaces aspartic acid 1725 with tyrosine.
Molecular consequence: missense variant.
Genome position (GRCh38, 1-based): chr11:108,299,881, G>T. VCF-style: chr11-108299881-G-T. GRCh37 (hg19) VCF-style: chr11-108170608-G-T.
Other names: c.5173G>T, p.Asp1725Tyr (NM_001351834.2); short protein forms D1725Y.
Identifiers: ClinVar variation 453562 (VCV000453562.10), dbSNP rs1555104799, ClinGen allele CA382541215.
Genomic context (GRCh38, chr11:108,299,881, plus strand): 5'-GATAAAGAACTTCAGTGGACCTTCATAATGCTGACCTACCTGAATAACACACTGGTAGAA[G>T]ATTGGTGAGTATTTATTGATACCTTATATGTAATCTCAATATGACATTCATGGAGAATGA-3'
Protein context (NP_000042.3, residues 1715-1735): LTYLNNTLVE[Asp1725Tyr]CVKVRSAAVT

ClinVar aggregate classification (germline): Uncertain significance. Review status: criteria provided, multiple submitters, no conflicts (2 of 4 stars). 3 submissions from 3 submitters: Uncertain significance (3). Last evaluated 2025-03-10.

Conditions:
Hereditary cancer-predisposing syndrome. Also called: Tumor predisposition; Hereditary Cancer Syndrome; Neoplastic Syndromes, Hereditary; Hereditary neoplastic syndrome. Identifiers: Orphanet 140162, MedGen C0027672, MeSH D009386, MONDO:0015356.
Ataxia-telangiectasia syndrome (AT). Also called: Cerebello-oculocutaneous telangiectasia; Immunodeficiency with ataxia telangiectasia; Ataxia-telangiectasia, complementation group D; AT, COMPLEMENTATION GROUP C; Ataxia-telangiectasia, complementation group E; LOUIS-BAR SYNDROME. Identifiers: Orphanet 100, MedGen C0004135, MONDO:0008840, OMIM 208900.

Submissions (3):

Ambry Genetics
Classification: Uncertain significance for Hereditary cancer-predisposing syndrome. Last evaluated: 2025-03-10. Review status: criteria provided, single submitter. Criteria: Ambry Variant Classification Scheme 2023. Collection method: clinical testing. Allele origin: germline.
Comment: The p.D1725Y variant (also known as c.5173G>T), located in coding exon 33 of the ATM gene, results from a G to T substitution at nucleotide position 5173. The aspartic acid at codon 1725 is replaced by tyrosine, an amino acid with highly dissimilar properties. This amino acid position is conserved. In addition, the in silico prediction for this alteration is inconclusive. Based on the available evidence, the clinical significance of this variant remains unclear.

GeneDx
Classification: Uncertain significance. Last evaluated: 2021-02-01. Review status: criteria provided, single submitter. Criteria: GeneDx Variant Classification Process June 2021. Collection method: clinical testing. Allele origin: germline. Affected: yes.
Comment: Not observed in large population cohorts (Lek et al., 2016); In silico analysis supports that this missense variant has a deleterious effect on protein structure/function; Has not been previously published as pathogenic or benign to our knowledge

Labcorp Genetics (formerly Invitae), Labcorp
Classification: Uncertain significance for Ataxia-telangiectasia syndrome. Last evaluated: 2017-04-22. Review status: criteria provided, single submitter. Criteria: Invitae Variant Classification Sherloc (09022015). Collection method: clinical testing. Allele origin: germline.
Comment: This variant is not present in population databases (ExAC no frequency) and has not been reported in the literature in individuals with a ATM-related disease. Algorithms developed to predict the effect of missense changes on protein structure and function do not agree on the potential impact of this missense change (SIFT: "Tolerated"; PolyPhen-2: "Possibly Damaging"; Align-GVGD: "Class C0"). In summary, this variant is a novel missense change with uncertain impact on protein function. It has been classified as a Variant of Uncertain Significance. This sequence change replaces aspartic acid with tyrosine at codon 1725 of the ATM protein (p.Asp1725Tyr). The aspartic acid residue is weakly conserved and there is a large physicochemical difference between aspartic acid and tyrosine.